The following is an entry in ClinVar:

NM_000257.4(MYH7):c.968T>A (p.Ile323Asn)

Gene: MYH7 (myosin heavy chain 7; minus strand). Cytogenetic location: 14q11.2.
Variant type: single nucleotide variant.
Coding change: c.968T>A on transcript NM_000257.4 (MANE Select); coding-DNA position 968, T replaced by A.
Protein change: p.Ile323Asn; replaces isoleucine 323 with asparagine.
Molecular consequence: missense variant.
Genome position (GRCh38, 1-based): chr14:23,430,591, A>T on the plus strand (T>A on the coding strand, the complement: MYH7 is on the minus strand). VCF-style: chr14-23430591-A-T. GRCh37 (hg19) VCF-style: chr14-23899800-A-T.
Other names: short protein forms I323N.
Identifiers: ClinVar variation 43114 (VCV000043114.7), dbSNP rs397516275, ClinGen allele CA017019.

ClinVar aggregate classification (germline): Conflicting classifications of pathogenicity. Review status: criteria provided, conflicting classifications (1 of 4 stars). 2 submissions from 2 submitters: Likely pathogenic (1); Uncertain significance (1). Last evaluated 2021-04-28.

Submissions (2):

GeneDx
Classification: Likely pathogenic. Last evaluated: 2021-04-28. Review status: criteria provided, single submitter. Criteria: GeneDx Variant Classification Process June 2021. Collection method: clinical testing. Allele origin: germline. Affected: yes.
Comment: Reported in individuals with HCM (Helms et al., 2014; Homburger et al., 2016; Walsh et al., 2017; Alamo et al., 2017); Not observed in large population cohorts (Lek et al., 2016); In silico analysis supports that this missense variant has a deleterious effect on protein structure/function; This variant is associated with the following publications: (PMID: 28606303, 29687901, 27247418, 25031304, 27532257)

Laboratory for Molecular Medicine, Mass General Brigham Personalized Medicine
Classification: Uncertain significance. Last evaluated: 2014-04-04. Review status: criteria provided, single submitter. Criteria: LMM Criteria. Collection method: clinical testing. Allele origin: germline. Observed: 4 variant alleles.
Comment: proposed classification - variant undergoing re-assessment, contact laboratory